The following is an entry in ClinVar:

ClinVar aggregate classification (germline): Pathogenic/Likely pathogenic. Review status: criteria provided, multiple submitters, no conflicts (2 of 4 stars). 3 submissions from 3 submitters: Pathogenic (1); Likely pathogenic (1). 1 of the submissions does not count toward it. Last evaluated 2018-04-16.

Conditions:
Dystonia 28, childhood-onset (DYT28). Also called: KMT2B-Related Dystonia (DYT-KMT2B). Identifiers: Orphanet 589618, MedGen C4310633, MONDO:0015004, OMIM 617284.

Submissions (3):

SIB Swiss Institute of Bioinformatics
Classification: Likely pathogenic for Dystonia 28, childhood-onset. Last evaluated: 2018-04-16. Review status: criteria provided, single submitter. Criteria: ACMG Guidelines, 2015. Collection method: curation. Allele origin: germline.
Comment: This variant is interpreted as a Likely Pathogenic, for Dystonia 28, childhood-onset, Autosomal Dominant inheritance. The following ACMG Tag(s) were applied: PM2 => Absent from controls (or at extremely low frequency if recessive) in Exome Sequencing Project, 1000 Genomes Project, or Exome Aggregation Consortium. PM6 => Assumed de novo, but without confirmation of paternity and maternity (PMID:27839873). PVS1-Strong => PVS1 downgraded in strength to Strong (PMID:27839873).

Institute of Human Genetics Munich, TUM University Hospital
Classification: Pathogenic for Dystonia 28, childhood-onset. Last evaluated: 2017-12-09. Review status: criteria provided, single submitter. Criteria: Classification criteria August 2017. Collection method: clinical testing. Allele origin: de novo. Inheritance: Autosomal dominant inheritance. Affected: yes. Observed: 1 heterozygote.

OMIM
Classification: Pathogenic for DYSTONIA 28, CHILDHOOD-ONSET. Last evaluated: 2017-01-12. Review status: no assertion criteria provided. Collection method: literature only. Allele origin: germline. Not counted in ClinVar's aggregate classification.

Literature cited by the submitters: PubMed 27839873 (cited by 3 submitters).

NM_014727.3(KMT2B):c.1633C>T (p.Arg545Ter)

Gene: KMT2B (lysine methyltransferase 2B; plus strand). Cytogenetic location: 19q13.12.
Variant type: single nucleotide variant.
Coding change: c.1633C>T on transcript NM_014727.3 (MANE Select); coding-DNA position 1633, C replaced by T.
Protein change: p.Arg545Ter; replaces arginine 545 with a stop codon.
Molecular consequence: nonsense.
Genome position (GRCh38, 1-based): chr19:35,720,980, C>T. VCF-style: chr19-35720980-C-T. GRCh37 (hg19) VCF-style: chr19-36211882-C-T.
Other names: short protein forms R545*.
Identifiers: ClinVar variation 374871 (VCV000374871.4), dbSNP rs1057519279, ClinGen allele CA16043947.
Genomic context (GRCh38, chr19:35,720,980, plus strand): 5'-CGGCAGTTTATTATGCCTGTGGTGAGTGCCCGCTCCTCCCGTGTCATCAAGACACCCCGG[C>T]GATTTATGGATGAAGACCCCCCCAAACCCCCAAAGGTGGAGGTCTCACCTGTCCTGCGAC-3'